The following is an entry in ClinVar:

ClinVar aggregate classification (germline): Uncertain significance. Review status: criteria provided, multiple submitters, no conflicts (2 of 4 stars). 2 submissions from 2 submitters: Uncertain significance (2). Last evaluated 2025-07-24.

Conditions:
Inborn genetic diseases. Identifiers: MedGen C0950123, MeSH D030342.

Allele frequency attached by ClinVar (database versions not stated): gnomAD exomes 0.00006 and 0.00010; gnomAD 0.00007 and 0.00010; TOPMed 0.00009; ExAC 0.00018; 1000 Genomes Project 30x 0.00031; 1000 Genomes Project 0.00040.
gnomAD v4.1: 95 of 1,588,132 alleles (0.006%); highest among the groups gnomAD compares: East Asian, 0.17%; no homozygotes.

Submissions (2):

Labcorp Genetics (formerly Invitae), Labcorp
Classification: Uncertain significance. Last evaluated: 2025-07-24. Review status: criteria provided, single submitter. Criteria: Invitae Variant Classification Sherloc (09022015). Collection method: clinical testing. Allele origin: germline.
Comment: This sequence change replaces arginine, which is basic and polar, with glycine, which is neutral and non-polar, at codon 55 of the LEMD3 protein (p.Arg55Gly). The frequency data for this variant in the population databases is considered unreliable, as metrics indicate poor data quality at this position in the gnomAD database. This variant has not been reported in the literature in individuals affected with LEMD3-related conditions. ClinVar contains an entry for this variant (Variation ID: 1426776). An algorithm developed to predict the effect of missense changes on protein structure and function (PolyPhen-2) suggests that this variant is likely to be disruptive. In summary, the available evidence is currently insufficient to determine the role of this variant in disease. Therefore, it has been classified as a Variant of Uncertain Significance.

Ambry Genetics
Classification: Uncertain significance for Inborn genetic diseases. Last evaluated: 2023-06-05. Review status: criteria provided, single submitter. Criteria: Ambry Variant Classification Scheme 2023. Collection method: clinical testing. Allele origin: germline.

NM_014319.5(LEMD3):c.163C>G (p.Arg55Gly)

Gene: LEMD3 (LEM domain containing 3; plus strand). Cytogenetic location: 12q14.3.
Variant type: single nucleotide variant.
Coding change: c.163C>G on transcript NM_014319.5 (MANE Select); coding-DNA position 163, C replaced by G.
Protein change: p.Arg55Gly; replaces arginine 55 with glycine.
Molecular consequence: missense variant.
Genome position (GRCh38, 1-based): chr12:65,169,759, C>G. VCF-style: chr12-65169759-C-G. GRCh37 (hg19) VCF-style: chr12-65563539-C-G.
Other names: c.163C>G, p.Arg55Gly (NM_001167614.2); c.163C>G (NM_014319.4); short protein forms R55G.
Identifiers: ClinVar variation 1426776 (VCV001426776.9), dbSNP rs531792416, ClinGen allele CA6670683.